The following is an entry in ClinVar:

ClinVar aggregate classification (germline): Pathogenic (1 of 4 stars; one submission).

Conditions:
Multiple congenital exostosis (EXT). Also called: Multiple exostoses; Hereditary multiple exostoses; Hereditary multiple exostosis; Hereditary multiple osteochondromas; MULTIPLE CARTILAGINOUS EXOSTOSES; Multiple osteochondromas. Identifiers: Orphanet 321, MedGen C0015306, MONDO:0005508, HP:0002762.

Submission:

Labcorp Genetics (formerly Invitae), Labcorp
Classification: Pathogenic for Multiple congenital exostosis. Last evaluated: 2019-06-04. Review status: criteria provided, single submitter. Criteria: Invitae Variant Classification Sherloc (09022015). Collection method: clinical testing. Allele origin: germline.
Comment: Loss-of-function variants in EXT1 are known to be pathogenic (PMID: 10679937, 11391482, 19810120). For these reasons, this variant has been classified as Pathogenic. This variant has not been reported in the literature in individuals with EXT1-related conditions. This variant is not present in population databases (ExAC no frequency). This sequence change creates a premature translational stop signal (p.Val561Profs*61) in the EXT1 gene. It is expected to result in an absent or disrupted protein product.

Literature cited by the submitters: PubMed 10679937; PubMed 11391482; PubMed 19810120.

NM_000127.3(EXT1):c.1678_1679dup (p.Val561fs)

Gene: EXT1 (exostosin glycosyltransferase 1; minus strand). Cytogenetic location: 8q24.11.
Variant type: Duplication.
Coding change: c.1678_1679dup on transcript NM_000127.3 (MANE Select); coding-DNA positions 1678 to 1679, 2 bases duplicated (GC; older notation c.1678_1679dupGC).
Protein change: p.Val561fs; shifts the reading frame from valine 561.
Molecular consequence: frameshift variant.
Genome position (GRCh38, 1-based): chr8:117,812,915-117,812,916, GC duplicated on the plus strand (GC on the coding strand, the reverse complement: EXT1 is on the minus strand); duplicating any 2 consecutive bases within chr8:117,812,915-117,812,917 gives the same sequence; the c. name uses the placement nearest the transcript's 3' end. VCF-style (leftmost placement, unchanged base first): chr8-117812914-G-GGC. GRCh37 (hg19) VCF-style: chr8-118825153-G-GGC.
Other names: short protein forms V561fs.
Identifiers: ClinVar variation 936705 (VCV000936705.7), dbSNP rs1823352107, ClinGen allele CA1139660720.